The following is an entry in ClinVar:

ClinVar aggregate classification (germline): Conflicting classifications of pathogenicity. Review status: criteria provided, conflicting classifications (1 of 4 stars). 4 submissions from 4 submitters: Uncertain significance (1); Benign (1); Likely benign (2). Last evaluated 2026-03-11.

Conditions:
Hereditary cancer-predisposing syndrome. Also called: Neoplastic Syndromes, Hereditary; Tumor predisposition; Hereditary Cancer Syndrome; Hereditary neoplastic syndrome. Identifiers: Orphanet 140162, MedGen C0027672, MeSH D009386, MONDO:0015356.
Gorlin syndrome. Also called: Nevoid Basal Cell Carcinoma Syndrome; Basal cell nevus syndrome. Identifiers: Orphanet 377, MedGen C0004779, MONDO:0007187.
PTCH1-related disorder. Also called: PTCH1-related disorders; PTCH1-related condition.

Allele frequency attached by ClinVar (database versions not stated): TOPMed 0.00003.
gnomAD v4.1: 38 of 1,613,044 alleles (0.0024%); highest among the groups gnomAD compares: African/African-American, 0.0093%; no homozygotes.

Submissions (4):

PreventionGenetics, part of Exact Sciences
Classification: Likely benign for PTCH1-related condition. Last evaluated: 2026-03-11. Review status: criteria provided, single submitter. Criteria: ACMG Guidelines, 2015. Collection method: clinical testing. Allele origin: germline.
Comment: This variant is classified as likely benign based on ACMG/AMP sequence variant interpretation guidelines (Richards et al. 2015 PMID: 25741868, with internal and published modifications).

Labcorp Genetics (formerly Invitae), Labcorp
Classification: Benign for Gorlin syndrome. Last evaluated: 2026-02-03. Review status: criteria provided, single submitter. Criteria: Invitae Variant Classification Sherloc (09022015). Collection method: clinical testing. Allele origin: germline.

Ambry Genetics
Classification: Likely benign for Hereditary cancer-predisposing syndrome. Last evaluated: 2022-10-07. Review status: criteria provided, single submitter. Criteria: Ambry Variant Classification Scheme 2023. Collection method: clinical testing. Allele origin: germline.

GeneDx
Classification: Uncertain significance. Last evaluated: 2022-04-25. Review status: criteria provided, single submitter. Criteria: GeneDx Variant Classification Process June 2021. Collection method: clinical testing. Allele origin: germline. Affected: yes.
Comment: In silico analysis supports that this missense variant does not alter protein structure/function; Identified in an individual with congenital hydrocephalus (Jin 2020); This variant is associated with the following publications: (PMID: 33077954)

NM_000264.5(PTCH1):c.3953C>G (p.Pro1318Arg)

Gene: PTCH1 (patched 1; minus strand). Cytogenetic location: 9q22.32.
Variant type: single nucleotide variant.
Coding change: c.3953C>G on transcript NM_000264.5 (MANE Select); coding-DNA position 3953, C replaced by G.
Protein change: p.Pro1318Arg; replaces proline 1318 with arginine.
Molecular consequence: missense variant. On other transcripts: non-coding transcript variant (1).
Genome position (GRCh38, 1-based): chr9:95,447,303, G>C on the plus strand (C>G on the coding strand, the complement: PTCH1 is on the minus strand). VCF-style: chr9-95447303-G-C. GRCh37 (hg19) VCF-style: chr9-98209585-G-C.
Other names: c.3755C>G, p.Pro1252Arg (NM_001083602.3); c.3950C>G, p.Pro1317Arg (NM_001083603.3); c.3500C>G, p.Pro1167Arg (NM_001083604.3, NM_001083605.3, NM_001083606.3 and 1 more transcripts); c.3797C>G, p.Pro1266Arg (NM_001354918.2); short protein forms P1252R, P1318R, P1167R, P1266R, P1317R.
Identifiers: ClinVar variation 409145 (VCV000409145.16), dbSNP rs536440590, ClinGen allele CA5137993.